The following is an entry in ClinVar:

NM_015087.5(SPART):c.1414G>C (p.Ala472Pro)

Gene: SPART (spartin; minus strand). Cytogenetic location: 13q13.3.
Variant type: single nucleotide variant.
Coding change: c.1414G>C on transcript NM_015087.5 (MANE Select); coding-DNA position 1414, G replaced by C.
Protein change: p.Ala472Pro; replaces alanine 472 with proline.
Molecular consequence: missense variant.
Genome position (GRCh38, 1-based): chr13:36,314,296, C>G on the plus strand (G>C on the coding strand, the complement: SPART is on the minus strand). VCF-style: chr13-36314296-C-G. GRCh37 (hg19) VCF-style: chr13-36888433-C-G.
Other names: c.1414G>C (NM_015087.4); c.1414G>C, p.Ala472Pro (NM_001142294.2, NM_001142295.2, NM_001142296.2); short protein forms A472P.
Identifiers: ClinVar variation 2420033 (VCV002420033.7), dbSNP rs142482393, ClinGen allele CA387857470.

ClinVar aggregate classification (germline): Uncertain significance. Review status: criteria provided, multiple submitters, no conflicts (2 of 4 stars). 2 submissions from 2 submitters: Uncertain significance (2). Last evaluated 2024-12-12.

Conditions:
Inborn genetic diseases. Identifiers: MedGen C0950123, MeSH D030342.

gnomAD v4.1: 4 of 1,614,136 alleles (0.00025%); highest among the groups gnomAD compares: East Asian, 0.0022%; no homozygotes.

Submissions (2):

Ambry Genetics
Classification: Uncertain significance for Inborn genetic diseases. Last evaluated: 2024-12-12. Review status: criteria provided, single submitter. Criteria: Ambry Variant Classification Scheme 2023. Collection method: clinical testing. Allele origin: germline.

Labcorp Genetics (formerly Invitae), Labcorp
Classification: Uncertain significance. Last evaluated: 2024-12-09. Review status: criteria provided, single submitter. Criteria: Invitae Variant Classification Sherloc (09022015). Collection method: clinical testing. Allele origin: germline.
Comment: This sequence change replaces alanine, which is neutral and non-polar, with proline, which is neutral and non-polar, at codon 472 of the SPART protein (p.Ala472Pro). This variant is not present in population databases (gnomAD no frequency). This variant has not been reported in the literature in individuals affected with SPART-related conditions. ClinVar contains an entry for this variant (Variation ID: 2420033). Invitae Evidence Modeling of protein sequence and biophysical properties (such as structural, functional, and spatial information, amino acid conservation, physicochemical variation, residue mobility, and thermodynamic stability) indicates that this missense variant is not expected to disrupt SPART protein function with a negative predictive value of 80%. In summary, the available evidence is currently insufficient to determine the role of this variant in disease. Therefore, it has been classified as a Variant of Uncertain Significance.